The following is an entry in ClinVar:

NM_000124.4(ERCC6):c.400C>T (p.Arg134Trp)

Gene: ERCC6 (ERCC excision repair 6, chromatin remodeling factor; minus strand). Cytogenetic location: 10q11.23.
Variant type: single nucleotide variant.
Coding change: c.400C>T on transcript NM_000124.4 (MANE Select); coding-DNA position 400, C replaced by T.
Protein change: p.Arg134Trp; replaces arginine 134 with tryptophan.
Molecular consequence: missense variant.
Genome position (GRCh38, 1-based): chr10:49,532,565, G>A on the plus strand (C>T on the coding strand, the complement: ERCC6 is on the minus strand). VCF-style: chr10-49532565-G-A. GRCh37 (hg19) VCF-style: chr10-50740611-G-A.
Other names: c.400C>T, p.Arg134Trp (NM_001277058.2, NM_001277059.2, NM_001346440.2); c.400C>T (NM_000124.2); short protein forms R134W.
Identifiers: ClinVar variation 252466 (VCV000252466.17), dbSNP rs148095899, ClinGen allele CA5496559.

ClinVar aggregate classification (germline): Conflicting classifications of pathogenicity. Review status: criteria provided, conflicting classifications (1 of 4 stars). 3 submissions from 3 submitters: Uncertain significance (1); Likely benign (2). Last evaluated 2026-01-22.

Allele frequency attached by ClinVar (database versions not stated): TOPMed 0.00060; gnomAD 0.00056 and 0.00061; ExAC 0.00068; ESP Exome Variant Server 0.00092.

Submissions (3):

Labcorp Genetics (formerly Invitae), Labcorp
Classification: Likely benign. Last evaluated: 2026-01-22. Review status: criteria provided, single submitter. Criteria: Invitae Variant Classification Sherloc (09022015). Collection method: clinical testing. Allele origin: germline.

GeneDx
Classification: Likely benign. Last evaluated: 2024-03-12. Review status: criteria provided, single submitter. Criteria: GeneDx Variant Classification Process June 2021. Collection method: clinical testing. Allele origin: germline. Affected: yes.
Comment: See Variant Classification Assertion Criteria.

Genomic Diagnostic Laboratory, Division of Genomic Diagnostics, Children's Hospital of Philadelphia
Classification: Uncertain significance. Last evaluated: 2015-10-12. Review status: criteria provided, single submitter. Criteria: DGD Variant Analysis Guidelines. Collection method: clinical testing. Allele origin: unknown.